The following is an entry in ClinVar:

ClinVar aggregate classification (germline): Uncertain significance (1 of 4 stars; one submission).

Submission:

GeneDx
Classification: Uncertain significance. Last evaluated: 2017-02-09. Review status: criteria provided, single submitter. Criteria: GeneDx Variant Classification (06012015). Collection method: clinical testing. Allele origin: germline. Affected: yes.
Comment: The T1459A variant in the OTOGL gene has not been reported previously as a pathogenic variant, nor as a benign variant, to our knowledge. The T1459A variant is not observed in large population cohorts (Lek et al., 2016; 1000 Genomes Consortium et al., 2015; Exome Variant Server). The T1459A variant is a non-conservative amino acid substitution, which is likely to impact secondary protein structure as these residues differ in polarity, charge, size and/or other properties. This substitution occurs at a position that is conserved in mammals. In silico analysis is inconsistent in its predictions as to whether or not the variant is damaging to the protein structure/function. We interpret T1459A as a variant of uncertain significance.

NM_001378609.3(OTOGL):c.4402A>G (p.Thr1468Ala)

Gene: OTOGL (otogelin like; plus strand). Cytogenetic location: 12q21.31.
Variant type: single nucleotide variant.
Coding change: c.4402A>G on transcript NM_001378609.3 (MANE Select); coding-DNA position 4402, A replaced by G.
Protein change: p.Thr1468Ala; replaces threonine 1468 with alanine.
Molecular consequence: missense variant.
Genome position (GRCh38, 1-based): chr12:80,333,058, A>G. VCF-style: chr12-80333058-A-G. GRCh37 (hg19) VCF-style: chr12-80726838-A-G.
Other names: c.4267A>G, p.Thr1423Ala (NM_001368062.3); c.4402A>G, p.Thr1468Ala (NM_001378610.3, NM_173591.7); short protein forms T1459A, T1423A, T1468A.
Identifiers: ClinVar variation 423396 (VCV000423396.2), dbSNP rs1064796400, ClinGen allele CA16619592.